The following is an entry in ClinVar:

ClinVar aggregate classification (germline): Uncertain significance (1 of 4 stars; one submission).

Allele frequency attached by ClinVar (database versions not stated): gnomAD exomes below 0.00001.
gnomAD v4.1: 1 of 1,614,228 alleles (0.000062%); highest among the groups gnomAD compares: Non-Finnish European, 0.000085%; no homozygotes.

Submission:

GeneDx
Classification: Uncertain significance. Last evaluated: 2021-05-24. Review status: criteria provided, single submitter. Criteria: GeneDx Variant Classification Process June 2021. Collection method: clinical testing. Allele origin: germline. Affected: yes.
Comment: Not observed at significant frequency in large population cohorts (Lek et al., 2016); In silico analysis supports that this missense variant does not alter protein structure/function; Has not been previously published as pathogenic or benign to our knowledge

NM_014874.4(MFN2):c.1560G>T (p.Gln520His)

Gene: MFN2 (mitofusin 2; plus strand). Cytogenetic location: 1p36.22.
Variant type: single nucleotide variant.
Coding change: c.1560G>T on transcript NM_014874.4 (MANE Select); coding-DNA position 1560, G replaced by T.
Protein change: p.Gln520His; replaces glutamine 520 with histidine.
Molecular consequence: missense variant.
Genome position (GRCh38, 1-based): chr1:12,005,775, G>T. VCF-style: chr1-12005775-G-T. GRCh37 (hg19) VCF-style: chr1-12065832-G-T.
Other names: c.1560G>T, p.Gln520His (NM_001127660.2); short protein forms Q520H.
Identifiers: ClinVar variation 1326589 (VCV001326589.2), dbSNP rs2100852881, ClinGen allele CA338447947.